The following is an entry in ClinVar:

NM_000222.3(KIT):c.2837G>A (p.Arg946Gln)

Gene: KIT (KIT proto-oncogene, receptor tyrosine kinase; plus strand). Cytogenetic location: 4q12.
Variant type: single nucleotide variant.
Coding change: c.2837G>A on transcript NM_000222.3 (MANE Select); coding-DNA position 2837, G replaced by A.
Protein change: p.Arg946Gln; replaces arginine 946 with glutamine.
Molecular consequence: missense variant.
Genome position (GRCh38, 1-based): chr4:54,738,463, G>A. VCF-style: chr4-54738463-G-A. GRCh37 (hg19) VCF-style: chr4-55604629-G-A.
Other names: c.2825G>A, p.Arg942Gln (NM_001093772.2, NM_001385292.1); c.2840G>A, p.Arg947Gln (NM_001385284.1); c.2834G>A, p.Arg945Gln (NM_001385285.1); c.2822G>A, p.Arg941Gln (NM_001385286.1); c.2828G>A, p.Arg943Gln (NM_001385288.1); c.2837G>A, p.Arg946Gln (NM_001385290.1); short protein forms R946Q, R942Q, R941Q, R943Q, R945Q, R947Q.
Identifiers: ClinVar variation 409766 (VCV000409766.14), dbSNP rs779103998, ClinGen allele CA16611526.

ClinVar aggregate classification (germline): Conflicting classifications of pathogenicity. Review status: criteria provided, conflicting classifications (1 of 4 stars). 4 submissions from 4 submitters: Uncertain significance (2); Benign (1); Likely benign (1). Last evaluated 2026-06-02.

Conditions:
Hereditary cancer-predisposing syndrome. Also called: Neoplastic Syndromes, Hereditary; Hereditary Cancer Syndrome; Hereditary neoplastic syndrome; Tumor predisposition. Identifiers: Orphanet 140162, MedGen C0027672, MeSH D009386, MONDO:0015356.
Gastrointestinal stromal tumor. Also called: Gastrointestinal stroma tumor; Gastrointestinal stromal tumor, somatic. Identifiers: Orphanet 44890, MedGen C0238198, MeSH D046152, MONDO:0011719, OMIM 606764, HP:0100723.

Allele frequency attached by ClinVar (database versions not stated): gnomAD 0.00001.
gnomAD v4.1: 14 of 1,613,948 alleles (0.00087%); highest among the groups gnomAD compares: East Asian, 0.0045%; no homozygotes.

Submissions (4):

Myriad Genetics, Inc.
Classification: Likely benign for Gastrointestinal stromal tumor. Last evaluated: 2026-06-02. Review status: criteria provided, single submitter. Criteria: Myriad Autosomal Dominant, Autosomal Recessive and X-Linked Classification Criteria (2023). Collection method: clinical testing. Allele origin: unknown.
Comment: This variant is considered likely benign. This variant has been observed at a population frequency that is significantly greater than expected given the associated disease prevalence and penetrance.

Labcorp Genetics (formerly Invitae), Labcorp
Classification: Uncertain significance for Gastrointestinal stromal tumor. Last evaluated: 2025-12-15. Review status: criteria provided, single submitter. Criteria: Invitae Variant Classification Sherloc (09022015). Collection method: clinical testing. Allele origin: germline.
Comment: This sequence change replaces arginine, which is basic and polar, with glutamine, which is neutral and polar, at codon 946 of the KIT protein (p.Arg946Gln). This variant is present in population databases (no rsID available, gnomAD 0.004%). This variant has not been reported in the literature in individuals affected with KIT-related conditions. ClinVar contains an entry for this variant (Variation ID: 409766). An algorithm developed to predict the effect of missense changes on protein structure and function outputs the following: PolyPhen-2: "Benign". The glutamine amino acid residue is found in multiple mammalian species, which suggests that this missense change does not adversely affect protein function. In summary, the available evidence is currently insufficient to determine the role of this variant in disease. Therefore, it has been classified as a Variant of Uncertain Significance.

Ambry Genetics
Classification: Benign for Hereditary cancer-predisposing syndrome. Last evaluated: 2024-12-05. Review status: criteria provided, single submitter. Criteria: Ambry Variant Classification Scheme 2023. Collection method: clinical testing. Allele origin: germline.

GeneDx
Classification: Uncertain significance. Last evaluated: 2022-04-27. Review status: criteria provided, single submitter. Criteria: GeneDx Variant Classification Process June 2021. Collection method: clinical testing. Allele origin: germline. Affected: yes.
Comment: Not observed at significant frequency in large population cohorts (gnomAD); In silico analysis supports that this missense variant does not alter protein structure/function; Has not been previously published as pathogenic or benign to our knowledge